The following is an entry in ClinVar:

ClinVar aggregate classification (germline): Likely pathogenic (1 of 4 stars; one submission).

gnomAD v4.1: 1 of 1,613,776 alleles (0.000062%); highest among the groups gnomAD compares: Non-Finnish European, 0.000085%; no homozygotes.

Submission:

GeneDx
Classification: Likely pathogenic. Last evaluated: 2026-07-29. Review status: criteria provided, single submitter. Criteria: GeneDx Variant Classification Process June 2021. Collection method: clinical testing. Allele origin: germline.
Comment: Not observed at significant frequency in large population cohorts (gnomAD); In silico analysis supports that this missense variant has a deleterious effect on protein structure/function; Has not been previously published as pathogenic or benign to our knowledge

NM_021072.4(HCN1):c.1144G>A (p.Gly382Arg)

Gene: HCN1 (hyperpolarization activated cyclic nucleotide gated potassium channel 1; minus strand). Cytogenetic location: 5p12.
Variant type: single nucleotide variant.
Coding change: c.1144G>A on transcript NM_021072.4 (MANE Select); coding-DNA position 1144, G replaced by A.
Protein change: p.Gly382Arg; replaces glycine 382 with arginine.
Molecular consequence: missense variant.
Genome position (GRCh38, 1-based): chr5:45,396,578, C>T on the plus strand (G>A on the coding strand, the complement: HCN1 is on the minus strand). VCF-style: chr5-45396578-C-T. GRCh37 (hg19) VCF-style: chr5-45396680-C-T.
Other names: short protein forms G382R.
Identifiers: ClinVar variation 3372095 (VCV003372095.3).